The following is an entry in ClinVar:

ClinVar aggregate classification (germline): Uncertain significance (1 of 4 stars; one submission).

Conditions:
Ataxia-telangiectasia syndrome (AT). Also called: LOUIS-BAR SYNDROME; Cerebello-oculocutaneous telangiectasia; Immunodeficiency with ataxia telangiectasia; Ataxia telangiectasia (A-T); Ataxia-telangiectasia, complementation group D; AT, COMPLEMENTATION GROUP C. Identifiers: Orphanet 100, MedGen C0004135, MONDO:0008840, OMIM 208900.

Submission:

Labcorp Genetics (formerly Invitae), Labcorp
Classification: Uncertain significance for Ataxia-telangiectasia syndrome. Last evaluated: 2023-04-22. Review status: criteria provided, single submitter. Criteria: Invitae Variant Classification Sherloc (09022015). Collection method: clinical testing. Allele origin: germline.
Comment: This variant disrupts a region of the ATM protein in which other variant(s) (p.Thr2911Ile) have been observed in individuals with ATM-related conditions (Invitae). This suggests that this is a clinically significant region of the protein, and that variants that disrupt it are likely to be disease-causing. Experimental studies and prediction algorithms are not available or were not evaluated, and the functional significance of this variant is currently unknown. This variant has not been reported in the literature in individuals affected with ATM-related conditions. This variant is not present in population databases (gnomAD no frequency). This variant, c.8717_8737del, results in the deletion of 7 amino acid(s) of the ATM protein (p.Val2906_Arg2912del), but otherwise preserves the integrity of the reading frame. In summary, the available evidence is currently insufficient to determine the role of this variant in disease. Therefore, it has been classified as a Variant of Uncertain Significance.

NM_000051.4(ATM):c.8717_8737del (p.Val2906_Arg2912del)

Genes: ATM (ATM serine/threonine kinase; plus strand), C11orf65 (chromosome 11 open reading frame 65; minus strand). Cytogenetic location: 11q22.3.
Variant type: Deletion.
Coding change: c.8717_8737del on transcript NM_000051.4 (MANE Select); coding-DNA positions 8717 to 8737, 21 bases deleted (TTCCTTTTAGACTCACCAGAG).
Protein change: p.Val2906_Arg2912del.
Molecular consequence: inframe deletion. On other transcripts: intron variant (2).
Genome position (GRCh38, 1-based): chr11:108,353,811-108,353,831, TTCCTTTTAGACTCACCAGAG deleted; deleting any 21 consecutive bases within chr11:108,353,809-108,353,831 gives the same sequence; the c. name uses the placement nearest the transcript's 3' end. VCF-style (leftmost placement, unchanged base first): chr11-108353808-CAGTTCCTTTTAGACTCACCAG-C. GRCh37 (hg19) VCF-style: chr11-108224535-CAGTTCCTTTTAGACTCACCAG-C.
Other names: c.8717_8737del, p.Val2906_Arg2912del (NM_001351834.2); c.640+32091_640+32111del (NM_001330368.2); c.695-18537_695-18517del (NM_001351110.2).
Identifiers: ClinVar variation 2858144 (VCV002858144.3), dbSNP rs2547516144, ClinGen allele CA2739265996.